The following is an entry in ClinVar:

ClinVar aggregate classification (germline): Uncertain significance. Review status: criteria provided, multiple submitters, no conflicts (2 of 4 stars). 2 submissions from 2 submitters: Uncertain significance (2). Last evaluated 2024-07-09.

Conditions:
Inborn genetic diseases. Identifiers: MedGen C0950123, MeSH D030342.
Lethal left ventricular non-compaction-seizures-hypotonia-cataract-developmental delay syndrome. Also called: Combined oxidative phosphorylation deficiency 31. Identifiers: Orphanet 478049, MedGen C4310661, MONDO:0014976, OMIM 617228.

Allele frequency attached by ClinVar (database versions not stated): 1000 Genomes Project 30x 0.00016.
gnomAD v4.1: 97 of 1,607,488 alleles (0.006%); highest among the groups gnomAD compares: South Asian, 0.1%; 1 homozygote.

Submissions (2):

Ambry Genetics
Classification: Uncertain significance for Inborn genetic diseases. Last evaluated: 2024-07-09. Review status: criteria provided, single submitter. Criteria: Ambry Variant Classification Scheme 2023. Collection method: clinical testing. Allele origin: germline.

Neuberg Centre For Genomic Medicine, NCGM
Classification: Uncertain significance for Lethal left ventricular non-compaction-seizures-hypotonia-cataract-developmental delay syndrome. Review status: criteria provided, single submitter. Criteria: ACMG Guidelines, 2015. Collection method: clinical testing. Allele origin: germline. Inheritance: Autosomal recessive inheritance. Affected: yes.
Comment: The missense c.503A>Cp.Asp168Ala variant in MIPEP gene has not been reported previously as a pathogenic variant nor as a benign variant, to our knowledge. This variant is reported with the allele frequency of 0.01% in the gnomAD Exomes and novel in 1000 Genomes. The amino acid Asp at position 168 is changed to a Ala changing protein sequence and it might alter its composition and physico-chemical properties. The amino acid change p.Asp168Ala in MIPEP is predicted as conserved by GERP++ and PhyloP across 100 vertebrates. The variant is predicted as damaging by SIFT. For these reasons, this variant has been classified as Uncertain Significance.

NM_005932.4(MIPEP):c.503A>C (p.Asp168Ala)

Gene: MIPEP (mitochondrial intermediate peptidase; minus strand). Cytogenetic location: 13q12.12.
Variant type: single nucleotide variant.
Coding change: c.503A>C on transcript NM_005932.4 (MANE Select); coding-DNA position 503, A replaced by C.
Protein change: p.Asp168Ala; replaces aspartic acid 168 with alanine.
Molecular consequence: missense variant.
Genome position (GRCh38, 1-based): chr13:23,879,304, T>G on the plus strand (A>C on the coding strand, the complement: MIPEP is on the minus strand). VCF-style: chr13-23879304-T-G. GRCh37 (hg19) VCF-style: chr13-24453443-T-G.
Other names: c.503A>C (NM_005932.3); short protein forms D168A.
Identifiers: ClinVar variation 3234959 (VCV003234959.2), dbSNP rs371524906, ClinGen allele CA6913314.